The following is an entry in ClinVar:

NM_004770.3(KCNB2):c.868G>T (p.Val290Leu)

Gene: KCNB2 (potassium voltage-gated channel subfamily B member 2; plus strand). Cytogenetic location: 8q21.11.
Variant type: single nucleotide variant.
Coding change: c.868G>T on transcript NM_004770.3 (MANE Select); coding-DNA position 868, G replaced by T.
Protein change: p.Val290Leu; replaces valine 290 with leucine.
Molecular consequence: missense variant.
Genome position (GRCh38, 1-based): chr8:72,936,223, G>T. VCF-style: chr8-72936223-G-T. GRCh37 (hg19) VCF-style: chr8-73848458-G-T.
Other names: short protein forms V290L.
Identifiers: ClinVar variation 5018084 (VCV005018084.1).
Genomic context (GRCh38, chr8:72,936,223, plus strand): 5'-GATTTGCTGGCCATCTTGCCGTACTATGTCACCATTTTTCTGACGGAGTCCAACAAGAGC[G>T]TGCTGCAGTTCCAAAACGTGAGGCGCGTGGTCCAGATCTTCCGAATCATGCGCATCCTCA-3'
Protein context (NP_004761.2, residues 280-300): TIFLTESNKS[Val290Leu]LQFQNVRRVV

ClinVar aggregate classification (germline): Uncertain significance (1 of 4 stars; one submission).

Submission:

GeneDx
Classification: Uncertain significance. Last evaluated: 2026-04-09. Review status: criteria provided, single submitter. Criteria: GeneDx Variant Classification Process June 2021. Collection method: clinical testing. Allele origin: germline.
Comment: Not observed at significant frequency in large population cohorts (gnomAD); In silico analysis suggests that this missense variant does not alter protein structure/function; Has not been previously published as pathogenic or benign to our knowledge